The following is an entry in ClinVar:

ClinVar aggregate classification (germline): Likely benign. Review status: criteria provided, multiple submitters, no conflicts (2 of 4 stars). 4 submissions from 4 submitters: Likely benign (3). 1 of the submissions does not count toward it. Last evaluated 2026-01-12.

Conditions:
Inborn genetic diseases. Identifiers: MedGen C0950123, MeSH D030342.
Hereditary ataxia. Also called: Hereditary Ataxias. Identifiers: Orphanet 183518, MedGen C0004138, MONDO:0100309, MONDO:0000557.
KCNQ5-related disorder. Also called: KCNQ5-related condition.

Allele frequency attached by ClinVar (database versions not stated): ESP Exome Variant Server 0.00008; gnomAD exomes 0.00009 and 0.00016; 1000 Genomes Project 30x 0.00016; gnomAD 0.00016 and 0.00019; ExAC 0.00018; TOPMed 0.00018; 1000 Genomes Project 0.00020.
gnomAD v4.1: 167 of 1,614,126 alleles (0.01%); highest among the groups gnomAD compares: South Asian, 0.065%; 1 homozygote.

Submissions (4):

Labcorp Genetics (formerly Invitae), Labcorp
Classification: Likely benign. Last evaluated: 2026-01-12. Review status: criteria provided, single submitter. Criteria: Invitae Variant Classification Sherloc (09022015). Collection method: clinical testing. Allele origin: germline.

Ambry Genetics
Classification: Likely benign for Inborn genetic diseases. Last evaluated: 2022-05-10. Review status: criteria provided, single submitter. Criteria: Ambry Variant Classification Scheme 2023. Collection method: clinical testing. Allele origin: germline.

Cambridge Genomics Laboratory, East Genomic Laboratory Hub, NHS Genomic Medicine Service
Classification: Likely benign for Hereditary ataxia. Last evaluated: 2019-10-18. Review status: criteria provided, single submitter. Criteria: ACGS Best Practice Guidelines for Variant Classification in Rare Disease 2020. Collection method: clinical testing. Allele origin: germline. Affected: yes. Observed: 1 variant allele.

PreventionGenetics, part of Exact Sciences
Classification: Likely benign for KCNQ5-related condition. Last evaluated: 2022-11-29. Review status: no assertion criteria provided. Collection method: clinical testing. Allele origin: germline. Not counted in ClinVar's aggregate classification.
Comment: This variant is classified as likely benign based on ACMG/AMP sequence variant interpretation guidelines (Richards et al. 2015 PMID: 25741868, with internal and published modifications).

NM_019842.4(KCNQ5):c.1895G>A (p.Arg632Gln)

Gene: KCNQ5 (potassium voltage-gated channel subfamily Q member 5; plus strand). Cytogenetic location: 6q13.
Variant type: single nucleotide variant.
Coding change: c.1895G>A on transcript NM_019842.4 (MANE Select); coding-DNA position 1895, G replaced by A.
Protein change: p.Arg632Gln; replaces arginine 632 with glutamine.
Molecular consequence: missense variant.
Genome position (GRCh38, 1-based): chr6:73,194,510, G>A. VCF-style: chr6-73194510-G-A. GRCh37 (hg19) VCF-style: chr6-73904233-G-A.
Other names: c.1868G>A, p.Arg623Gln (NM_001160130.2); c.1925G>A, p.Arg642Gln (NM_001160132.2); c.1952G>A, p.Arg651Gln (NM_001160133.2); c.1565G>A, p.Arg522Gln (NM_001160134.2); c.1952G>A (NM_001160133.1); short protein forms R522Q, R632Q, R651Q, R623Q, R642Q.
Identifiers: ClinVar variation 1418475 (VCV001418475.10), dbSNP rs201200702, ClinGen allele CA3887169.